The following is an entry in ClinVar:

NM_001145809.2(MYH14):c.*427T>C

Gene: MYH14 (myosin heavy chain 14; plus strand). Cytogenetic location: 19q13.33.
Variant type: single nucleotide variant.
Coding change: c.*427T>C on transcript NM_001145809.2 (MANE Select); 427 bases downstream of the stop codon, T replaced by C.
Molecular consequence: 3 prime UTR variant.
Genome position (GRCh38, 1-based): chr19:50,310,217, T>C. VCF-style: chr19-50310217-T-C. GRCh37 (hg19) VCF-style: chr19-50813474-T-C.
Other names: c.*427T>C (NM_001077186.2, NM_024729.4).
Identifiers: ClinVar variation 892975 (VCV000892975.4), dbSNP rs190088995, ClinGen allele CA309598535.

ClinVar aggregate classification (germline): Likely benign (1 of 4 stars; one submission).

Conditions:
Autosomal dominant nonsyndromic hearing loss 4A. Also called: Deafness, autosomal dominant 4A. Identifiers: Orphanet 90635, MedGen C1833503, MONDO:0010915, OMIM 600652.

Allele frequency attached by ClinVar (database versions not stated): gnomAD exomes 0.00013; 1000 Genomes Project 0.00260; gnomAD 0.00273 and 0.00299; 1000 Genomes Project 30x 0.00281; TOPMed 0.00306.
gnomAD v4.1: 423 of 247,640 alleles (0.17%); highest among the groups gnomAD compares: African/African-American, 0.9%; 3 homozygotes.

Submission:

Illumina Laboratory Services, Illumina
Classification: Likely benign for Autosomal dominant nonsyndromic hearing loss 4A. Last evaluated: 2018-01-12. Review status: criteria provided, single submitter. Criteria: ICSL Variant Classification Criteria 13 December 2019. Collection method: clinical testing. Allele origin: germline.
Comment: This variant was observed in the ICSL laboratory as part of a predisposition screen in an ostensibly healthy population. It had not been previously curated by ICSL or reported in the Human Gene Mutation Database (HGMD: prior to June 1st, 2018), and was therefore a candidate for classification through an automated scoring system. Utilizing variant allele frequency, disease prevalence and penetrance estimates, and inheritance mode, an automated score was calculated to assess if this variant is too frequent to cause the disease. Based on the score and internal cut-off values, a variant classified as likely benign is not then subjected to further curation. The score for this variant resulted in a classification of likely benign for this disease.